The following is an entry in ClinVar:

ClinVar aggregate classification (germline): Likely pathogenic (1 of 4 stars; one submission).

Conditions:
CHARGE syndrome (CHARGE). Also called: Hittner Hirsch Kreh syndrome; CHARGE ASSOCIATION--COLOBOMA, HEART ANOMALY, CHOANAL ATRESIA, RETARDATION, GENITAL AND EAR ANOMALIES; Coloboma, heart anomaly, choanal atresia, retardation, genital and ear anomalies; CHARGE association; Hall-Hittner syndrome. Identifiers: Orphanet 138, MedGen C0265354, MONDO:0008965.

Submission:

Molecular Genetics Department, Kulakov National Medical Research Center for Obstetrics, Gynecology and Perinatology
Classification: Likely pathogenic for CHD7-related CHARGE syndrome. Review status: criteria provided, single submitter. Criteria: ACMG Guidelines, 2015. Collection method: clinical testing. Allele origin: germline. Affected: yes.
Comment: A previously undescribed nucleotide variant creates a frameshift p.Leu2502ProfsTer22 in the CHD7 gene. Loss-of-function variants are reported in patients with CHARGE syndrome, 214800. The variant is not present in population database (gnomAD no frequency). In summary, the currently available evidence indicates that the variant is pathogenic, but additional data are needed to prove that conclusively. Therefore, this variant has been classified as likely pathogenic.

NM_017780.4(CHD7):c.7504dup (p.Leu2502fs)

Gene: CHD7 (chromodomain helicase DNA binding protein 7; plus strand). Cytogenetic location: 8q12.2.
Variant type: Duplication.
Coding change: c.7504dup on transcript NM_017780.4 (MANE Select); coding-DNA position 7504, one base duplicated (C; older notation c.7504dupC).
Protein change: p.Leu2502fs; shifts the reading frame from leucine 2502.
Molecular consequence: frameshift variant. On other transcripts: intron variant (1).
Genome position (GRCh38, 1-based): chr8:60,856,784, C duplicated; the last of 3 consecutive C bases (chr8:60,856,782-60,856,784); duplicating any one gives the same sequence. VCF-style (leftmost placement, unchanged base first): chr8-60856781-T-TC. GRCh37 (hg19) VCF-style: chr8-61769340-T-TC.
Other names: c.1717-5445dup (NM_001316690.1); short protein forms L2502fs.
Identifiers: ClinVar variation 3062252 (VCV003062252.1), dbSNP rs2488077580, ClinGen allele CA2740095049.